The following is an entry in ClinVar:

NM_000155.4(GALT):c.173A>T (p.Glu58Val)

Genes: GALT (galactose-1-phosphate uridylyltransferase; plus strand), LOC130001683 (ATAC-STARR-seq lymphoblastoid active region 28314; plus strand). Cytogenetic location: 9p13.3.
Variant type: single nucleotide variant.
Coding change: c.173A>T on transcript NM_000155.4 (MANE Select); coding-DNA position 173, A replaced by T.
Protein change: p.Glu58Val; replaces glutamic acid 58 with valine.
Molecular consequence: missense variant. On other transcripts: 5 prime UTR variant (1).
Genome position (GRCh38, 1-based): chr9:34,647,179, A>T. VCF-style: chr9-34647179-A-T. GRCh37 (hg19) VCF-style: chr9-34647176-A-T.
Other names: c.-30A>T (NM_001258332.2); c.173A>T (NM_000155.2); short protein forms E58V.
Identifiers: ClinVar variation 1923899 (VCV001923899.6), dbSNP rs2492861943, ClinGen allele CA373278673.

ClinVar aggregate classification (germline): Conflicting classifications of pathogenicity. Review status: criteria provided, conflicting classifications (1 of 4 stars). 2 submissions from 2 submitters: Likely pathogenic (1); Uncertain significance (1). Last evaluated 2024-07-01.

Conditions:
Deficiency of UDPglucose-hexose-1-phosphate uridylyltransferase. Also called: Transferase Deficiency Galactosemia; GALACTOSE-1-PHOSPHATE URIDYLYLTRANSFERASE DEFICIENCY; GALT deficiency; Galactosemia, classic; GALACTOSEMIA I. Identifiers: Orphanet 352, Orphanet 79239, MedGen C0268151, MONDO:0009258, OMIM 230400.

Submissions (2):

GeneDx
Classification: Likely pathogenic. Last evaluated: 2024-07-01. Review status: criteria provided, single submitter. Criteria: GeneDx Variant Classification Process June 2021. Collection method: clinical testing. Allele origin: germline. Affected: yes.
Comment: Has not been previously published as pathogenic or benign to our knowledge; Not observed at significant frequency in large population cohorts (gnomAD); In silico analysis supports that this missense variant has a deleterious effect on protein structure/function

Labcorp Genetics (formerly Invitae), Labcorp
Classification: Uncertain significance for Deficiency of UDPglucose-hexose-1-phosphate uridylyltransferase. Last evaluated: 2022-09-23. Review status: criteria provided, single submitter. Criteria: Invitae Variant Classification Sherloc (09022015). Collection method: clinical testing. Allele origin: germline.
Comment: In summary, the available evidence is currently insufficient to determine the role of this variant in disease. Therefore, it has been classified as a Variant of Uncertain Significance. This variant is not present in population databases (gnomAD no frequency). This missense change has been observed in individual(s) with a positive newborn screening result for GALT-related disease (Invitae). Advanced modeling of protein sequence and biophysical properties (such as structural, functional, and spatial information, amino acid conservation, physicochemical variation, residue mobility, and thermodynamic stability) has been performed at Invitae for this missense variant, however the output from this modeling did not meet the statistical confidence thresholds required to predict the impact of this variant on GALT protein function. This sequence change replaces glutamic acid, which is acidic and polar, with valine, which is neutral and non-polar, at codon 58 of the GALT protein (p.Glu58Val).